The following is an entry in ClinVar:

NM_001013703.4(EIF2AK4):c.2609C>T (p.Ala870Val)

Gene: EIF2AK4 (eukaryotic translation initiation factor 2 alpha kinase 4; plus strand). Cytogenetic location: 15q15.1.
Variant type: single nucleotide variant.
Coding change: c.2609C>T on transcript NM_001013703.4 (MANE Select); coding-DNA position 2609, C replaced by T.
Protein change: p.Ala870Val; replaces alanine 870 with valine.
Molecular consequence: missense variant.
Genome position (GRCh38, 1-based): chr15:39,990,355, C>T. VCF-style: chr15-39990355-C-T. GRCh37 (hg19) VCF-style: chr15-40282556-C-T.
Other names: short protein forms A870V.
Identifiers: ClinVar variation 3721643 (VCV003721643.2).

ClinVar aggregate classification (germline): Uncertain significance (1 of 4 stars; one submission).

gnomAD v4.1: 11 of 1,613,942 alleles (0.00068%); highest among the groups gnomAD compares: South Asian, 0.0022%; no homozygotes.

Submission:

Labcorp Genetics (formerly Invitae), Labcorp
Classification: Uncertain significance. Last evaluated: 2024-11-22. Review status: criteria provided, single submitter. Criteria: Invitae Variant Classification Sherloc (09022015). Collection method: clinical testing. Allele origin: germline.
Comment: This sequence change replaces alanine, which is neutral and non-polar, with valine, which is neutral and non-polar, at codon 870 of the EIF2AK4 protein (p.Ala870Val). This variant is present in population databases (no rsID available, gnomAD 0.003%). This missense change has been observed in individual(s) with pulmonary veno-occlusive disease (PMID: 28087362). Invitae Evidence Modeling of protein sequence and biophysical properties (such as structural, functional, and spatial information, amino acid conservation, physicochemical variation, residue mobility, and thermodynamic stability) indicates that this missense variant is not expected to disrupt EIF2AK4 protein function with a negative predictive value of 95%. In summary, the available evidence is currently insufficient to determine the role of this variant in disease. Therefore, it has been classified as a Variant of Uncertain Significance.

Literature cited by the submitters: PubMed 28087362.